The following is an entry in ClinVar:

NM_001018005.2(TPM1):c.773-4A>G

Gene: TPM1 (tropomyosin 1; plus strand). Cytogenetic location: 15q22.2.
Variant type: single nucleotide variant.
Coding change: c.773-4A>G on transcript NM_001018005.2 (MANE Select); 4 bases into the intron before coding-DNA position 773, A replaced by G.
Molecular consequence: intron variant.
Genome position (GRCh38, 1-based): chr15:63,064,060, A>G. VCF-style: chr15-63064060-A-G. GRCh37 (hg19) VCF-style: chr15-63356259-A-G.
Other names: c.898+1415A>G (NM_001365778.1); c.772+1415A>G (NM_001018020.2, NM_001018007.2, NM_001018006.2 and 3 more transcripts); c.773-4A>G (NM_001301244.2, NM_000366.6, NM_001365779.1); c.664+1415A>G (NM_001330351.2, NM_001330344.2, NM_001018008.2 and 2 more transcripts); c.665-4A>G (NM_001365781.2, NM_001365782.1, NM_001330346.2).
Identifiers: ClinVar variation 525095 (VCV000525095.5), dbSNP rs1555410410, ClinGen allele CA658798389.

ClinVar aggregate classification (germline): Likely benign. Review status: criteria provided, multiple submitters, no conflicts (2 of 4 stars). 2 submissions from 2 submitters: Likely benign (2). Last evaluated 2024-02-22.

Conditions:
Hypertrophic cardiomyopathy. Also called: HYPERTROPHIC MYOCARDIOPATHY. Identifiers: Orphanet 217569, MedGen C0007194, MeSH D002312, MONDO:0005045, HP:0001639.

Submissions (2):

All of Us Research Program, National Institutes of Health
Classification: Likely benign for Hypertrophic cardiomyopathy. Last evaluated: 2024-02-22. Review status: criteria provided, single submitter. Criteria: ACMG Guidelines, 2015. Collection method: clinical testing. Allele origin: germline. Inheritance: Autosomal dominant inheritance. Observed: 1 variant allele, 1 heterozygote.
Comment: This study involves interpretation of variants in research participants for the purpose of population health screening. Participant phenotype was not available at the time of variant classification. Additional details can be found in publication PMID: 35346344, PMCID: PMC8962531

Labcorp Genetics (formerly Invitae), Labcorp
Classification: Likely benign for Hypertrophic cardiomyopathy. Last evaluated: 2017-09-13. Review status: criteria provided, single submitter. Criteria: Invitae Variant Classification Sherloc (09022015). Collection method: clinical testing. Allele origin: germline.